The following is an entry in ClinVar:

ClinVar aggregate classification (germline): Uncertain significance (1 of 4 stars; one submission).

Conditions:
Shprintzen-Goldberg syndrome (SGS). Also called: SHPRINTZEN-GOLDBERG CRANIOSYNOSTOSIS SYNDROME; CRANIOSYNOSTOSIS WITH ARACHNODACTYLY AND ABDOMINAL HERNIAS; Marfanoid disorder with craniosynostosis type 1; Marfanoid craniosynostosis syndrome; Shprintzen-Goldberg marfanoid syndrome. Identifiers: Orphanet 2462, MedGen C1321551, MONDO:0008426, OMIM 182212.

Allele frequency attached by ClinVar (database versions not stated): gnomAD exomes below 0.00001; gnomAD 0.00001.
gnomAD v4.1: 2 of 1,544,620 alleles (0.00013%); highest among the groups gnomAD compares: Non-Finnish European, 0.00017%; no homozygotes.

Submission:

Labcorp Genetics (formerly Invitae), Labcorp
Classification: Uncertain significance for Shprintzen-Goldberg syndrome. Last evaluated: 2024-12-19. Review status: criteria provided, single submitter. Criteria: Invitae Variant Classification Sherloc (09022015). Collection method: clinical testing. Allele origin: germline.
Comment: This sequence change replaces arginine, which is basic and polar, with tryptophan, which is neutral and slightly polar, at codon 690 of the SKI protein (p.Arg690Trp). This variant is not present in population databases (gnomAD no frequency). This variant has not been reported in the literature in individuals affected with SKI-related conditions. ClinVar contains an entry for this variant (Variation ID: 1941325). Invitae Evidence Modeling of protein sequence and biophysical properties (such as structural, functional, and spatial information, amino acid conservation, physicochemical variation, residue mobility, and thermodynamic stability) indicates that this missense variant is not expected to disrupt SKI protein function with a negative predictive value of 95%. In summary, the available evidence is currently insufficient to determine the role of this variant in disease. Therefore, it has been classified as a Variant of Uncertain Significance.

NM_003036.4(SKI):c.2068C>T (p.Arg690Trp)

Gene: SKI (SKI proto-oncogene; plus strand). Cytogenetic location: 1p36.32.
Variant type: single nucleotide variant.
Coding change: c.2068C>T on transcript NM_003036.4 (MANE Select); coding-DNA position 2068, C replaced by T.
Protein change: p.Arg690Trp; replaces arginine 690 with tryptophan.
Molecular consequence: missense variant.
Genome position (GRCh38, 1-based): chr1:2,306,646, C>T. VCF-style: chr1-2306646-C-T. GRCh37 (hg19) VCF-style: chr1-2238085-C-T.
Other names: short protein forms R690W.
Identifiers: ClinVar variation 1941325 (VCV001941325.5), dbSNP rs1640592063, ClinGen allele CA337959667.
Genomic context (GRCh38, chr1:2,306,646, plus strand): 5'-CTGCAGGTGAAGCTGCAGCACGCGGAGGCGGACCGGGAGCAGCTGCGGGCCGACCTGCTG[C>T]GGGAGCGCGAGGCCCGGGAGCACCTGGAGAAGGTGGTGAAGGAGCTGCAGGAACAGCTGT-3'
Protein context (NP_003027.1, residues 680-700): DREQLRADLL[Arg690Trp]EREAREHLEK